The following is an entry in ClinVar:

NM_153006.3(NAGS):c.1114A>T (p.Lys372Ter)

Gene: NAGS (N-acetylglutamate synthase; plus strand). Cytogenetic location: 17q21.31.
Variant type: single nucleotide variant.
Coding change: c.1114A>T on transcript NM_153006.3 (MANE Select); coding-DNA position 1114, A replaced by T.
Protein change: p.Lys372Ter; replaces lysine 372 with a stop codon.
Molecular consequence: nonsense.
Genome position (GRCh38, 1-based): chr17:44,007,340, A>T. VCF-style: chr17-44007340-A-T. GRCh37 (hg19) VCF-style: chr17-42084708-A-T.
Other names: short protein forms K372*.
Identifiers: ClinVar variation 946249 (VCV000946249.7), dbSNP rs2049106859, ClinGen allele CA399726702.
Genomic context (GRCh38, chr17:44,007,340, plus strand): 5'-AACGGCCCTCCAGCCAGACTAGCCCCTCCCCATCCTCCTCCAGGGTCCGGGACCCTGTTC[A>T]AGAACGCCGAGCGAATGCTACGGGTGCGCAGCCTGGACAAGCTGGACCAGGGCCGTCTAG-3'

ClinVar aggregate classification (germline): Pathogenic (1 of 4 stars; one submission).

Conditions:
Hyperammonemia, type III (NAGSD). Also called: Hyperammonemia due to N-acetylglutamate synthase deficiency. Identifiers: Orphanet 927, MedGen C0268543, MONDO:0009377, OMIM 237310.

Submission:

Labcorp Genetics (formerly Invitae), Labcorp
Classification: Pathogenic for Hyperammonemia, type III. Last evaluated: 2023-06-02. Review status: criteria provided, single submitter. Criteria: Invitae Variant Classification Sherloc (09022015). Collection method: clinical testing. Allele origin: germline.
Comment: Algorithms developed to predict the effect of sequence changes on RNA splicing suggest that this variant may create or strengthen a splice site. ClinVar contains an entry for this variant (Variation ID: 946249). This variant has not been reported in the literature in individuals affected with NAGS-related conditions. This variant is not present in population databases (gnomAD no frequency). This sequence change creates a premature translational stop signal (p.Lys372*) in the NAGS gene. It is expected to result in an absent or disrupted protein product. Loss-of-function variants in NAGS are known to be pathogenic (PMID: 12594532). For these reasons, this variant has been classified as Pathogenic.

Literature cited by the submitters: PubMed 12594532.